The following is an entry in ClinVar:

ClinVar aggregate classification (germline): Uncertain significance (1 of 4 stars; one submission).

Conditions:
Cardiovascular phenotype. Identifiers: MedGen CN230736.

gnomAD v4.1: 1 of 1,547,152 alleles (0.000065%); highest among the groups gnomAD compares: South Asian, 0.0013%; no homozygotes.

Submission:

Ambry Genetics
Classification: Uncertain significance for Cardiovascular phenotype. Last evaluated: 2025-08-22. Review status: criteria provided, single submitter. Criteria: Ambry Variant Classification Scheme 2023. Collection method: clinical testing. Allele origin: germline.
Comment: The c.38080+1G>C intronic variant results from a G to C substitution one nucleotide after coding exon 138 of the TTN gene. This exon is located in the A-band region of the N2-B isoform of the titin protein and is constitutively expressed in TTN transcripts (percent spliced in or PSI 100%). This nucleotide position is highly conserved in available vertebrate species. In silico splice site analysis predicts that this alteration will weaken the native splice donor site. This variant disrupts the canonical splice site and is expected to cause aberrant splicing. However, although direct evidence is unavailable, this alteration is predicted to result in an in-frame transcript that is not expected to trigger nonsense-mediated mRNA decay. The exact functional effect of the predicted splice impact is unknown. Based on the available evidence, the clinical significance of this variant remains unclear.

NM_001267550.2(TTN):c.65275+1G>C

Genes: TTN (titin; minus strand), TTN-AS1 (TTN antisense RNA 1; plus strand). Cytogenetic location: 2q31.2.
Variant type: single nucleotide variant.
Coding change: c.65275+1G>C on transcript NM_001267550.2 (MANE Select); the canonical splice donor site of the intron after coding-DNA position 65275, G replaced by C.
Molecular consequence: splice donor variant.
Genome position (GRCh38, 1-based): chr2:178,584,275, C>G on the plus strand (G>C on the coding strand, the complement: TTN is on the minus strand). VCF-style: chr2-178584275-C-G. GRCh37 (hg19) VCF-style: chr2-179449002-C-G.
Other names: c.38080+1G>C (NM_003319.4); c.38656+1G>C (NM_133437.4); c.38455+1G>C (NM_133432.3); c.57571+1G>C (NM_133378.4); c.60352+1G>C (NM_001256850.1).
Identifiers: ClinVar variation 4193768 (VCV004193768.1).